The following is an entry in ClinVar:

ClinVar aggregate classification (germline): Uncertain significance (1 of 4 stars; one submission).

Conditions:
Hypohidrotic X-linked ectodermal dysplasia (XHED). Also called: ECTODERMAL DYSPLASIA, HYPOHIDROTIC, 1; CST SYNDROME; Anhidrotic ectodermal dysplasia X-linked; Christ Siemens Touraine syndrome; ECTODERMAL DYSPLASIA 1, HYPOHIDROTIC/HAIR/TOOTH TYPE, X-LINKED; ECTODERMAL DYSPLASIA 1, HYPOHIDROTIC, X-LINKED. Identifiers: Orphanet 181, Orphanet 238468, MedGen C0162359, MONDO:0010585, OMIM 305100.

Submission:

Labcorp Genetics (formerly Invitae), Labcorp
Classification: Uncertain significance for Hypohidrotic X-linked ectodermal dysplasia. Last evaluated: 2024-06-24. Review status: criteria provided, single submitter. Criteria: Invitae Variant Classification Sherloc (09022015). Collection method: clinical testing. Allele origin: germline.
Comment: This sequence change replaces valine, which is neutral and non-polar, with glycine, which is neutral and non-polar, at codon 283 of the EDA protein (p.Val283Gly). This variant is not present in population databases (gnomAD no frequency). This variant has not been reported in the literature in individuals affected with EDA-related conditions. Advanced modeling of protein sequence and biophysical properties (such as structural, functional, and spatial information, amino acid conservation, physicochemical variation, residue mobility, and thermodynamic stability) performed at Invitae indicates that this missense variant is expected to disrupt EDA protein function with a positive predictive value of 95%. In summary, the available evidence is currently insufficient to determine the role of this variant in disease. Therefore, it has been classified as a Variant of Uncertain Significance.

NM_001399.5(EDA):c.848T>G (p.Val283Gly)

Gene: EDA (ectodysplasin A; plus strand). Cytogenetic location: Xq13.1.
Variant type: single nucleotide variant.
Coding change: c.848T>G on transcript NM_001399.5 (MANE Select); coding-DNA position 848, T replaced by G.
Protein change: p.Val283Gly; replaces valine 283 with glycine.
Molecular consequence: missense variant.
Genome position (GRCh38, 1-based): chrX:70,033,452, T>G. VCF-style: chrX-70033452-T-G. GRCh37 (hg19) VCF-style: chrX-69253302-T-G.
Other names: c.848T>G, p.Val283Gly (NM_001005609.2); c.839T>G, p.Val280Gly (NM_001005612.3); short protein forms V280G, V283G.
Identifiers: ClinVar variation 3657676 (VCV003657676.2).